The following is an entry in ClinVar:

ClinVar aggregate classification (germline): Uncertain significance. Review status: criteria provided, multiple submitters, no conflicts (2 of 4 stars). 3 submissions from 3 submitters: Uncertain significance (3). Last evaluated 2025-05-20.

Conditions:
Inborn genetic diseases. Identifiers: MedGen C0950123, MeSH D030342.

Allele frequency attached by ClinVar (database versions not stated): TOPMed 0.00015; gnomAD 0.00013; gnomAD exomes 0.00001.
gnomAD v4.1: 34 of 1,529,396 alleles (0.0022%); highest among the groups gnomAD compares: African/African-American, 0.047%; no homozygotes.

Submissions (3):

Ambry Genetics
Classification: Uncertain significance for Inborn genetic diseases. Last evaluated: 2025-05-20. Review status: criteria provided, single submitter. Criteria: Ambry Variant Classification Scheme 2023. Collection method: clinical testing. Allele origin: germline.

GeneDx
Classification: Uncertain significance. Last evaluated: 2022-09-13. Review status: criteria provided, single submitter. Criteria: GeneDx Variant Classification Process June 2021. Collection method: clinical testing. Allele origin: germline. Affected: yes.
Comment: In silico analysis supports that this missense variant does not alter protein structure/function; Has not been previously published as pathogenic or benign to our knowledge

Labcorp Genetics (formerly Invitae), Labcorp
Classification: Uncertain significance. Last evaluated: 2022-08-08. Review status: criteria provided, single submitter. Criteria: Invitae Variant Classification Sherloc (09022015). Collection method: clinical testing. Allele origin: germline.
Comment: In summary, the available evidence is currently insufficient to determine the role of this variant in disease. Therefore, it has been classified as a Variant of Uncertain Significance. Algorithms developed to predict the effect of missense changes on protein structure and function are either unavailable or do not agree on the potential impact of this missense change (SIFT: "Deleterious"; PolyPhen-2: "Probably Damaging"; Align-GVGD: "Class C0"). This variant has not been reported in the literature in individuals affected with SPEG-related conditions. This variant is present in population databases (rs750155659, gnomAD 0.06%). This sequence change replaces glycine, which is neutral and non-polar, with alanine, which is neutral and non-polar, at codon 2401 of the SPEG protein (p.Gly2401Ala).

NM_005876.5(SPEG):c.7202G>C (p.Gly2401Ala)

Genes: ASIC4-AS1 (ASIC4 antisense RNA 1; minus strand), SPEG (striated muscle enriched protein kinase; plus strand). Cytogenetic location: 2q35.
Variant type: single nucleotide variant.
Coding change: c.7202G>C on transcript NM_005876.5 (MANE Select); coding-DNA position 7202, G replaced by C.
Protein change: p.Gly2401Ala; replaces glycine 2401 with alanine.
Molecular consequence: missense variant.
Genome position (GRCh38, 1-based): chr2:219,484,665, G>C. VCF-style: chr2-219484665-G-C. GRCh37 (hg19) VCF-style: chr2-220349387-G-C.
Other names: c.7202G>C (NM_005876.4); short protein forms G2401A.
Identifiers: ClinVar variation 1914595 (VCV001914595.5), dbSNP rs750155659, ClinGen allele CA2127192.
Genomic context (GRCh38, chr2:219,484,665, plus strand): 5'-CGCTGGAGCTGGTGCGACGGCCTGAGCGCTCACGCTCGGTGCAGGACCTCAGGGCTGTCG[G>C]AGAGCCTGGCCTCGTCCGCCGCCTCTCGCTGTCACTGTCCCAGCGGCTGCGGCGGACCCC-3'
Protein context (NP_005867.3, residues 2391-2411): SRSVQDLRAV[Gly2401Ala]EPGLVRRLSL